The following is an entry in ClinVar:

ClinVar aggregate classification (germline): Pathogenic (1 of 4 stars; one submission).

Submission:

GeneDx
Classification: Pathogenic. Last evaluated: 2023-11-14. Review status: criteria provided, single submitter. Criteria: GeneDx Variant Classification Process June 2021. Collection method: clinical testing. Allele origin: germline. Affected: yes.
Comment: Frameshift variant predicted to result in protein truncation or nonsense mediated decay in a gene for which loss of function is a known mechanism of disease; Not observed at significant frequency in large population cohorts (gnomAD); Has not been previously published as pathogenic or benign to our knowledge

NM_016628.5(WAC):c.854dup (p.Ser286fs)

Gene: WAC (WW domain containing adaptor with coiled-coil; plus strand). Cytogenetic location: 10p12.1.
Variant type: Duplication.
Coding change: c.854dup on transcript NM_016628.5 (MANE Select); coding-DNA position 854, one base duplicated (C; older notation c.854dupC).
Protein change: p.Ser286fs; shifts the reading frame from serine 286.
Molecular consequence: frameshift variant. On other transcripts: intron variant (1).
Genome position (GRCh38, 1-based): chr10:28,595,976, C duplicated. VCF-style (leftmost placement, unchanged base first): chr10-28595975-G-GC. GRCh37 (hg19) VCF-style: chr10-28884904-G-GC.
Other names: c.719dup, p.Ser241fs (NM_100264.3); c.610+5144dup (NM_100486.4); short protein forms S241fs, S286fs.
Identifiers: ClinVar variation 3364223 (VCV003364223.1).